The following is an entry in ClinVar:

ClinVar aggregate classification (germline): Uncertain significance. Review status: criteria provided, multiple submitters, no conflicts (2 of 4 stars). 2 submissions from 2 submitters: Uncertain significance (2). Last evaluated 2025-12-24.

Conditions:
Autosomal recessive severe congenital neutropenia due to CSF3R deficiency. Also called: Neutropenia, severe congenital, 7, autosomal recessive. Identifiers: Orphanet 420702, MedGen C4310764, MONDO:0014865, OMIM 617014.
Inborn genetic diseases. Identifiers: MedGen C0950123, MeSH D030342.

Allele frequency attached by ClinVar (database versions not stated): ExAC 0.00001.
gnomAD v4.1: 3 of 1,614,202 alleles (0.00019%); highest among the groups gnomAD compares: Non-Finnish European, 0.00025%; no homozygotes.

Submissions (2):

Ambry Genetics
Classification: Uncertain significance for Inborn genetic diseases. Last evaluated: 2025-12-24. Review status: criteria provided, single submitter. Criteria: Ambry Variant Classification Scheme 2023. Collection method: clinical testing. Allele origin: germline.
Comment: The c.263C>A (p.T88N) alteration is located in exon 4 (coding exon 2) of the CSF3R gene. This alteration results from a C to A substitution at nucleotide position 263, causing the threonine (T) at amino acid position 88 to be replaced by an asparagine (N). Based on data from gnomAD, the A allele has an overall frequency of <0.001% (1/251466) total alleles studied. The highest observed frequency was 0.001% (1/113744) of European (non-Finnish) alleles. Based on insufficient or conflicting evidence, the clinical significance of this alteration remains unclear.

Labcorp Genetics (formerly Invitae), Labcorp
Classification: Uncertain significance for Autosomal recessive severe congenital neutropenia due to CSF3R deficiency. Last evaluated: 2023-02-14. Review status: criteria provided, single submitter. Criteria: Invitae Variant Classification Sherloc (09022015). Collection method: clinical testing. Allele origin: germline.
Comment: In summary, the available evidence is currently insufficient to determine the role of this variant in disease. Therefore, it has been classified as a Variant of Uncertain Significance. This sequence change replaces threonine, which is neutral and polar, with asparagine, which is neutral and polar, at codon 88 of the CSF3R protein (p.Thr88Asn). This variant is present in population databases (rs772516569, gnomAD 0.0009%). This variant has not been reported in the literature in individuals affected with CSF3R-related conditions. Advanced modeling of protein sequence and biophysical properties (such as structural, functional, and spatial information, amino acid conservation, physicochemical variation, residue mobility, and thermodynamic stability) has been performed at Invitae for this missense variant, however the output from this modeling did not meet the statistical confidence thresholds required to predict the impact of this variant on CSF3R protein function.

NM_000760.4(CSF3R):c.263C>A (p.Thr88Asn)

Gene: CSF3R (colony stimulating factor 3 receptor; minus strand). Cytogenetic location: 1p34.3.
Variant type: single nucleotide variant.
Coding change: c.263C>A on transcript NM_000760.4 (MANE Select); coding-DNA position 263, C replaced by A.
Protein change: p.Thr88Asn; replaces threonine 88 with asparagine.
Molecular consequence: missense variant.
Genome position (GRCh38, 1-based): chr1:36,475,475, G>T on the plus strand (C>A on the coding strand, the complement: CSF3R is on the minus strand). VCF-style: chr1-36475475-G-T. GRCh37 (hg19) VCF-style: chr1-36941076-G-T.
Other names: c.263C>A, p.Thr88Asn (NM_156039.3, NM_172313.3); c.263C>A (NM_000760.3); short protein forms T88N.
Identifiers: ClinVar variation 2776670 (VCV002776670.4), dbSNP rs772516569, ClinGen allele CA769527.